The following is an entry in ClinVar:

NM_199420.4(POLQ):c.5740T>G (p.Tyr1914Asp)

Gene: POLQ (DNA polymerase theta; minus strand). Cytogenetic location: 3q13.33.
Variant type: single nucleotide variant.
Coding change: c.5740T>G on transcript NM_199420.4 (MANE Select); coding-DNA position 5740, T replaced by G.
Protein change: p.Tyr1914Asp; replaces tyrosine 1914 with aspartic acid.
Molecular consequence: missense variant.
Genome position (GRCh38, 1-based): chr3:121,485,074, A>C on the plus strand (T>G on the coding strand, the complement: POLQ is on the minus strand). VCF-style: chr3-121485074-A-C. GRCh37 (hg19) VCF-style: chr3-121203921-A-C.
Other names: short protein forms Y1914D.
Identifiers: ClinVar variation 1749391 (VCV001749391.2), dbSNP rs201481708, ClinGen allele CA354089025.
Genomic context (GRCh38, chr3:121,485,074, plus strand): 5'-TGACTTAGCCAAATACTCATTACTTACCAGAATGCTTTTGTTCCTTCTGCAGTGAAAAAT[A>C]ATAGGCATCCCTTCCACCCCAGCATACTGCCAGTCCAACCACCAAGGTGTCATCACAACC-3'
Protein context (NP_955452.3, residues 1904-1924): AVCWGGRDAY[Tyr1914Asp]FSLQKEQKHS

ClinVar aggregate classification (germline): Uncertain significance (1 of 4 stars; one submission).

Submission:

Ambry Genetics
Classification: Uncertain significance. Last evaluated: 2022-05-28. Review status: criteria provided, single submitter. Criteria: Ambry Variant Classification Scheme 2023. Collection method: clinical testing. Allele origin: germline.
Comment: The p.Y1914D variant (also known as c.5740T>G), located in coding exon 17 of the POLQ gene, results from a T to G substitution at nucleotide position 5740. The tyrosine at codon 1914 is replaced by aspartic acid, an amino acid with highly dissimilar properties. This amino acid position is conserved. In addition, this alteration is predicted to be deleterious by in silico analysis. Since supporting evidence is limited at this time, the clinical significance of this alteration remains unclear.